The following is an entry in ClinVar:

ClinVar aggregate classification (germline): Uncertain significance (1 of 4 stars; one submission).

gnomAD v4.1: 5 of 1,614,126 alleles (0.00031%); highest among the groups gnomAD compares: Non-Finnish European, 0.00042%; no homozygotes.

Submission:

Labcorp Genetics (formerly Invitae), Labcorp
Classification: Uncertain significance. Last evaluated: 2024-12-12. Review status: criteria provided, single submitter. Criteria: Invitae Variant Classification Sherloc (09022015). Collection method: clinical testing. Allele origin: germline.
Comment: This sequence change replaces glycine, which is neutral and non-polar, with arginine, which is basic and polar, at codon 590 of the LRP5 protein (p.Gly590Arg). This variant is not present in population databases (gnomAD no frequency). This variant has not been reported in the literature in individuals affected with LRP5-related conditions. Invitae Evidence Modeling of protein sequence and biophysical properties (such as structural, functional, and spatial information, amino acid conservation, physicochemical variation, residue mobility, and thermodynamic stability) has been performed for this missense variant. However, the output from this modeling did not meet the statistical confidence thresholds required to predict the impact of this variant on LRP5 protein function. In summary, the available evidence is currently insufficient to determine the role of this variant in disease. Therefore, it has been classified as a Variant of Uncertain Significance.

NM_002335.4(LRP5):c.1768G>C (p.Gly590Arg)

Gene: LRP5 (LDL receptor related protein 5; plus strand). Cytogenetic location: 11q13.2.
Variant type: single nucleotide variant.
Coding change: c.1768G>C on transcript NM_002335.4 (MANE Select); coding-DNA position 1768, G replaced by C.
Protein change: p.Gly590Arg; replaces glycine 590 with arginine.
Molecular consequence: missense variant. On other transcripts: 5 prime UTR variant (1).
Genome position (GRCh38, 1-based): chr11:68,403,666, G>C. VCF-style: chr11-68403666-G-C. GRCh37 (hg19) VCF-style: chr11-68171134-G-C.
Other names: c.-170G>C (NM_001291902.2); short protein forms G590R.
Identifiers: ClinVar variation 3634235 (VCV003634235.2).